The following is an entry in ClinVar:

NM_002439.5(MSH3):c.2393A>G (p.Gln798Arg)

Gene: MSH3 (mutS homolog 3; plus strand). Cytogenetic location: 5q14.1.
Variant type: single nucleotide variant.
Coding change: c.2393A>G on transcript NM_002439.5 (MANE Select); coding-DNA position 2393, A replaced by G.
Protein change: p.Gln798Arg; replaces glutamine 798 with arginine.
Molecular consequence: missense variant.
Genome position (GRCh38, 1-based): chr5:80,778,794, A>G. VCF-style: chr5-80778794-A-G. GRCh37 (hg19) VCF-style: chr5-80074613-A-G.
Other names: short protein forms Q798R.
Identifiers: ClinVar variation 2451075 (VCV002451075.3), dbSNP rs760376846, ClinGen allele CA3328240.
Genomic context (GRCh38, chr5:80,778,794, plus strand): 5'-GCCGCTTTCACTCTCCTTTTATTGTAGAAAATTACAGACATCTGAATCAGCTCCGGGAGC[A>G]GCTAGTCCTTGACTGCAGTGCTGAATGGCTTGATTTTCTAGAGTGAGTTTACAATGAAAA-3'
Protein context (NP_002430.3, residues 788-808): NYRHLNQLRE[Gln798Arg]LVLDCSAEWL

ClinVar aggregate classification (germline): Uncertain significance (1 of 4 stars; one submission).

Conditions:
Hereditary cancer-predisposing syndrome. Also called: Neoplastic Syndromes, Hereditary; Tumor predisposition; Hereditary neoplastic syndrome; Hereditary Cancer Syndrome. Identifiers: Orphanet 140162, MedGen C0027672, MeSH D009386, MONDO:0015356.

Allele frequency attached by ClinVar (database versions not stated): gnomAD exomes below 0.00001; ExAC 0.00001.
gnomAD v4.1: 4 of 1,611,968 alleles (0.00025%); highest among the groups gnomAD compares: South Asian, 0.0044%; no homozygotes.

Submission:

Ambry Genetics
Classification: Uncertain significance for Hereditary cancer-predisposing syndrome. Last evaluated: 2024-05-30. Review status: criteria provided, single submitter. Criteria: Ambry Variant Classification Scheme 2023. Collection method: clinical testing. Allele origin: germline.
Comment: The p.Q798R variant (also known as c.2393A>G), located in coding exon 17 of the MSH3 gene, results from an A to G substitution at nucleotide position 2393. The glutamine at codon 798 is replaced by arginine, an amino acid with highly similar properties. This amino acid position is well conserved in available vertebrate species. In addition, the in silico prediction for this alteration is inconclusive. Based on the available evidence, the clinical significance of this variant remains unclear.